The following is an entry in ClinVar:

ClinVar aggregate classification (germline): Uncertain significance (1 of 4 stars; one submission).

Conditions:
WDTC1-related disorder.

gnomAD v4.1: 1 of 1,613,864 alleles (0.000062%); highest among the groups gnomAD compares: Non-Finnish European, 0.000085%; no homozygotes.

Submission:

Daryl Scott Lab, Baylor College of Medicine
Classification: Uncertain significance for WDTC1-related disorder. Last evaluated: 2025-08-25. Review status: criteria provided, single submitter. Criteria: ACMG Guidelines, 2015. Collection method: clinical testing. Allele origin: unknown. Affected: yes. Observed: 1 heterozygote.
Comment: PM2, PP3_strong

NM_001276252.2(WDTC1):c.950-2A>G

Gene: WDTC1 (WD and tetratricopeptide repeats 1; plus strand). Cytogenetic location: 1p36.11.
Variant type: single nucleotide variant.
Coding change: c.950-2A>G on transcript NM_001276252.2 (MANE Select); the canonical splice acceptor site of the intron before coding-DNA position 950, A replaced by G.
Molecular consequence: splice acceptor variant. On other transcripts: intron variant (1).
Genome position (GRCh38, 1-based): chr1:27,297,046, A>G. VCF-style: chr1-27297046-A-G. GRCh37 (hg19) VCF-style: chr1-27623537-A-G.
Other names: c.950-2A>G (NM_001410767.1); c.950-5A>G (NM_015023.5).
Identifiers: ClinVar variation 4539810 (VCV004539810.1).